The following is an entry in ClinVar:

ClinVar aggregate classification (germline): Uncertain significance (1 of 4 stars; one submission).

Conditions:
Fanconi anemia (FA). Also called: Fanconi's anemia. Identifiers: Orphanet 84, MedGen C0015625, MeSH D005199, MONDO:0019391.

Submission:

Labcorp Genetics (formerly Invitae), Labcorp
Classification: Uncertain significance for Fanconi anemia. Last evaluated: 2023-02-02. Review status: criteria provided, single submitter. Criteria: Invitae Variant Classification Sherloc (09022015). Collection method: clinical testing. Allele origin: germline.
Comment: Algorithms developed to predict the effect of sequence changes on RNA splicing suggest that this variant may create or strengthen a splice site. This sequence change replaces valine, which is neutral and non-polar, with methionine, which is neutral and non-polar, at codon 527 of the FANCB protein (p.Val527Met). This variant is not present in population databases (gnomAD no frequency). This variant has not been reported in the literature in individuals affected with FANCB-related conditions. Advanced modeling of protein sequence and biophysical properties (such as structural, functional, and spatial information, amino acid conservation, physicochemical variation, residue mobility, and thermodynamic stability) performed at Invitae indicates that this missense variant is not expected to disrupt FANCB protein function. In summary, the available evidence is currently insufficient to determine the role of this variant in disease. Therefore, it has been classified as a Variant of Uncertain Significance.

NM_001018113.3(FANCB):c.1579G>A (p.Val527Met)

Gene: FANCB (FA complementation group B; minus strand). Cytogenetic location: Xp22.2.
Variant type: single nucleotide variant.
Coding change: c.1579G>A on transcript NM_001018113.3 (MANE Select); coding-DNA position 1579, G replaced by A.
Protein change: p.Val527Met; replaces valine 527 with methionine.
Molecular consequence: missense variant.
Genome position (GRCh38, 1-based): chrX:14,845,204, C>T on the plus strand (G>A on the coding strand, the complement: FANCB is on the minus strand). VCF-style: chrX-14845204-C-T. GRCh37 (hg19) VCF-style: chrX-14863326-C-T.
Other names: c.1579G>A, p.Val527Met (NM_001324162.2, NM_001410764.1, NM_152633.4); short protein forms V527M.
Identifiers: ClinVar variation 2728745 (VCV002728745.3), dbSNP rs2518954250, ClinGen allele CA412440361.